The following is an entry in ClinVar:

ClinVar aggregate classification (germline): Uncertain significance (1 of 4 stars; one submission).

Conditions:
Hypertrophic cardiomyopathy. Also called: HYPERTROPHIC MYOCARDIOPATHY. Identifiers: Orphanet 217569, MedGen C0007194, MeSH D002312, MONDO:0005045, HP:0001639.

Allele frequency attached by ClinVar (database versions not stated): gnomAD exomes 0.00002; ExAC 0.00003.
gnomAD v4.1: 4 of 1,610,640 alleles (0.00025%); highest among the groups gnomAD compares: Admixed American, 0.0067%; no homozygotes.

Submission:

Labcorp Genetics (formerly Invitae), Labcorp
Classification: Uncertain significance for Hypertrophic cardiomyopathy. Last evaluated: 2023-08-04. Review status: criteria provided, single submitter. Criteria: Invitae Variant Classification Sherloc (09022015). Collection method: clinical testing. Allele origin: germline.
Comment: ClinVar contains an entry for this variant (Variation ID: 410256). Variants that disrupt the consensus splice site are a relatively common cause of aberrant splicing (PMID: 17576681, 9536098). Algorithms developed to predict the effect of sequence changes on RNA splicing suggest that this variant may disrupt the consensus splice site. In summary, the available evidence is currently insufficient to determine the role of this variant in disease. Therefore, it has been classified as a Variant of Uncertain Significance. This variant has not been reported in the literature in individuals affected with MYOM1-related conditions. This sequence change falls in intron 3 of the MYOM1 gene. It does not directly change the encoded amino acid sequence of the MYOM1 protein. It affects a nucleotide within the consensus splice site. This variant is present in population databases (rs772009177, gnomAD 0.02%).

Literature cited by the submitters: PubMed 17576681; PubMed 9536098.

NM_003803.4(MYOM1):c.431+5G>C

Gene: MYOM1 (myomesin 1; minus strand). Cytogenetic location: 18p11.31.
Variant type: single nucleotide variant.
Coding change: c.431+5G>C on transcript NM_003803.4 (MANE Select); 5 bases into the intron after coding-DNA position 431, G replaced by C.
Molecular consequence: intron variant.
Genome position (GRCh38, 1-based): chr18:3,193,813, C>G on the plus strand (G>C on the coding strand, the complement: MYOM1 is on the minus strand). VCF-style: chr18-3193813-C-G. GRCh37 (hg19) VCF-style: chr18-3193811-C-G.
Other names: c.431+5G>C (NM_019856.2).
Identifiers: ClinVar variation 410256 (VCV000410256.11), dbSNP rs772009177, ClinGen allele CA8875256.